The following is an entry in ClinVar:

ClinVar aggregate classification (germline): Benign. Review status: criteria provided, multiple submitters, no conflicts (2 of 4 stars). 6 submissions from 6 submitters: Benign (6). Last evaluated 2022-01-27.

Conditions:
Deficiency of butyryl-CoA dehydrogenase (ACADSD). Also called: ACADS DEFICIENCY; SCADH DEFICIENCY; Short-Chain Acyl-CoA Dehydrogenase Deficiency; SCAD DEFICIENCY, MILD; ACYL-CoA DEHYDROGENASE, SHORT-CHAIN, DEFICIENCY OF; SCAD Deficiency. Identifiers: Orphanet 26792, MedGen C0342783, MONDO:0008722, OMIM 201470. Disease mechanism: May be benign.

Allele frequency attached by ClinVar (database versions not stated): 1000 Genomes Project 30x 0.19300; 1000 Genomes Project 0.19329; ESP Exome Variant Server 0.19792; gnomAD 0.21460 and 0.21828; TOPMed 0.21589.
gnomAD v4.1: 409,862 of 1,599,860 alleles (26%); highest among the groups gnomAD compares: Middle Eastern, 36%; 54,823 homozygotes.

Submissions (6):

Mayo Clinic Laboratories, Mayo Clinic
Classification: Benign. Last evaluated: 2022-01-27. Review status: criteria provided, single submitter. Criteria: ACMG Guidelines, 2015. Collection method: clinical testing. Allele origin: germline. Observed: 41 variant alleles.

Genome-Nilou Lab
Classification: Benign for Deficiency of butyryl-CoA dehydrogenase. Last evaluated: 2021-07-14. Review status: criteria provided, single submitter. Criteria: ACMG Guidelines, 2015. Collection method: clinical testing. Allele origin: germline. Affected: no.

Illumina Laboratory Services, Illumina
Classification: Benign for Deficiency of butyryl-CoA dehydrogenase. Last evaluated: 2018-01-13. Review status: criteria provided, single submitter. Criteria: ICSL Variant Classification Criteria 13 December 2019. Collection method: clinical testing. Allele origin: germline.
Comment: This variant was observed in the ICSL laboratory as part of a predisposition screen in an ostensibly healthy population. It had not been previously curated by ICSL or reported in the Human Gene Mutation Database (HGMD: prior to June 1st, 2018), and was therefore a candidate for classification through an automated scoring system. Utilizing variant allele frequency, disease prevalence and penetrance estimates, and inheritance mode, an automated score was calculated to assess if this variant is too frequent to cause the disease. Based on the score and internal cut-off values, a variant classified as benign is not then subjected to further curation. The score for this variant resulted in a classification of benign for this disease.

GeneDx
Classification: Benign. Last evaluated: 2015-03-03. Review status: criteria provided, single submitter. Criteria: GeneDx Variant Classification Process June 2021. Collection method: clinical testing. Allele origin: germline. Affected: yes.

Breakthrough Genomics
Classification: Benign. Review status: criteria provided, single submitter. Criteria: ACMG Guidelines, 2015. Collection method: not provided. Allele origin: germline. Inheritance: Autosomal recessive inheritance. Affected: yes.

PreventionGenetics, part of Exact Sciences
Classification: Benign. Review status: criteria provided, single submitter. Criteria: ACMG Guidelines, 2015. Collection method: clinical testing. Allele origin: germline.

NM_000017.4(ACADS):c.*21G>C

Gene: ACADS (acyl-CoA dehydrogenase short chain; plus strand). Cytogenetic location: 12q24.31.
Variant type: single nucleotide variant.
Coding change: c.*21G>C on transcript NM_000017.4 (MANE Select); 21 bases downstream of the stop codon, G replaced by C.
Molecular consequence: 3 prime UTR variant.
Genome position (GRCh38, 1-based): chr12:120,739,469, G>C. VCF-style: chr12-120739469-G-C. GRCh37 (hg19) VCF-style: chr12-121177272-G-C.
Other names: c.*21G>C (NM_001302554.2).
Identifiers: ClinVar variation 254692 (VCV000254692.14), dbSNP rs3916, ClinGen allele CA6831259.
Genomic context (GRCh38, chr12:120,739,469, plus strand): 5'-GGTGATCGCCGGGCATCTGCTCAGGAGCTACCGGAGCTGAGCCCGCGGCGGACTGCCCCA[G>C]GACTGCGGGAAGGCGCGGGAGCCAGGGGCCTCCACCCCAACCCCGGCTCAGAGACTGGGC-3'